The following is an entry in ClinVar:

ClinVar aggregate classification (germline): Pathogenic (1 of 4 stars; one submission).

Conditions:
Salla disease (SD). Also called: Sialuria, Finnish type; N-acetylneuraminic acid (NANA) storage disease (NSD); Infantile sialic acid storage disorder (ISSD); Less Severe FSASD (Salla Disease). Identifiers: Orphanet 309334, Orphanet 834, MedGen C1096903, MONDO:0011449, OMIM 604369.

Submission:

Labcorp Genetics (formerly Invitae), Labcorp
Classification: Pathogenic for Salla disease. Last evaluated: 2020-06-15. Review status: criteria provided, single submitter. Criteria: Invitae Variant Classification Sherloc (09022015). Collection method: clinical testing. Allele origin: germline.
Comment: This variant is an out-of-frame deletion of the genomic region encompassing exon(s) 5-6 of the SLC17A5 gene. This is expected to create a premature translational stop signal and result in an absent or disrupted protein product. This variant has not been reported in the literature in individuals with SLC17A5-related conditions. Loss-of-function variants in SLC17A5 are known to be pathogenic (PMID: 10581036, 10947946, 15172001). For these reasons, this variant has been classified as Pathogenic.

Literature cited by the submitters: PubMed 10581036; PubMed 10947946; PubMed 15172001.

NC_000006.11:g.(?_74345095)_(74346440_?)del

Gene: SLC17A5 (solute carrier family 17 member 5; minus strand). Cytogenetic location: 6q13.
Variant type: Deletion.
Identifiers: ClinVar variation 1073614 (VCV001073614.5).